The following is an entry in ClinVar:

ClinVar aggregate classification (germline): Uncertain significance (1 of 4 stars; one submission).

Submission:

Women's Health and Genetics/Laboratory Corporation of America, LabCorp
Classification: Uncertain significance. Last evaluated: 2024-06-20. Review status: criteria provided, single submitter. Criteria: LabCorp Variant Classification Summary - May 2015. Collection method: clinical testing. Allele origin: germline.
Comment: Variant summary: SRRM2 c.*123T>C is located in the untranslated mRNA region downstream of the termination codon. The variant was absent in 136140 control chromosomes. The available data on variant occurrences in the general population are insufficient to allow any conclusion about variant significance. To our knowledge, no occurrence of c.*123T>C in individuals affected with Intellectual Developmental Disorder, Autosomal Dominant 72 and no experimental evidence demonstrating its impact on protein function have been reported. No submitters have cited clinical-significance assessments for this variant to ClinVar. Based on the evidence outlined above, the variant was classified as uncertain significance.

NM_016333.4(SRRM2):c.*123T>C

Gene: SRRM2 (serine/arginine repetitive matrix 2; plus strand). Cytogenetic location: 16p13.3.
Variant type: single nucleotide variant.
Coding change: c.*123T>C on transcript NM_016333.4 (MANE Select); 123 bases downstream of the stop codon, T replaced by C.
Molecular consequence: 3 prime UTR variant.
Genome position (GRCh38, 1-based): chr16:2,770,990, T>C. VCF-style: chr16-2770990-T-C. GRCh37 (hg19) VCF-style: chr16-2820991-T-C.
Identifiers: ClinVar variation 3339936 (VCV003339936.1).